The following is an entry in ClinVar:

NM_000059.4(BRCA2):c.4398dup (p.His1467fs)

Gene: BRCA2 (BRCA2 DNA repair associated; plus strand). Cytogenetic location: 13q13.1.
Variant type: Duplication.
Coding change: c.4398dup on transcript NM_000059.4 (MANE Select); coding-DNA position 4398, one base duplicated (A; older notation c.4398dupA).
Protein change: p.His1467fs; shifts the reading frame from histidine 1467.
Molecular consequence: frameshift variant.
Genome position (GRCh38, 1-based): chr13:32,338,753, A duplicated. VCF-style (leftmost placement, unchanged base first): chr13-32338752-T-TA. GRCh37 (hg19) VCF-style: chr13-32912889-T-TA.
Other names: c.4398dupA (NM_000059.3); short protein forms H1467fs.
Identifiers: ClinVar variation 570486 (VCV000570486.7), dbSNP rs1566230215, ClinGen allele CA891844227.
Genomic context (GRCh38, chr13:32,338,752, plus strand): 5'-TTGTAAATTTCTTTGATCAGAAACCAGAAGAATTGCATAACTTTTCCTTAAATTCTGAAT[T>TA]ACATTCTGACATAAGAAAGAACAAAATGGACATTCTAAGTTATGAGGAAACAGACATAGT-3'

ClinVar aggregate classification (germline): Pathogenic (1 of 4 stars; one submission).

Conditions:
Hereditary breast ovarian cancer syndrome. Also called: Hereditary breast and ovarian cancer syndrome; Breast and ovarian cancer; Hereditary breast and ovarian cancer; Hereditary breast and/or ovarian cancer syndrome; Hereditary breast and ovarian cancer syndrome (HBOC); BRCA1- and BRCA2-Associated Hereditary Breast and Ovarian Cancer. Identifiers: Orphanet 145, MedGen C0677776, MeSH D061325, MONDO:0003582. Disease mechanism: loss of function.

Submission:

Labcorp Genetics (formerly Invitae), Labcorp
Classification: Pathogenic for Hereditary breast ovarian cancer syndrome. Last evaluated: 2018-02-22. Review status: criteria provided, single submitter. Criteria: Invitae Variant Classification Sherloc (09022015). Collection method: clinical testing. Allele origin: germline.
Comment: For these reasons, this variant has been classified as Pathogenic. Loss-of-function variants in BRCA2 are known to be pathogenic (PMID: 20104584). This variant has not been reported in the literature in individuals with BRCA2-related disease. This variant is not present in population databases (ExAC no frequency). This sequence change creates a premature translational stop signal (p.His1467Thrfs*3) in the BRCA2 gene. It is expected to result in an absent or disrupted protein product.

Literature cited by the submitters: PubMed 20104584.